The following is an entry in ClinVar:

NM_173076.3(ABCA12):c.450C>T (p.Pro150=)

Gene: ABCA12 (ATP binding cassette subfamily A member 12; minus strand). Cytogenetic location: 2q35.
Variant type: single nucleotide variant.
Coding change: c.450C>T on transcript NM_173076.3 (MANE Select); coding-DNA position 450, C replaced by T.
Protein change: p.Pro150=; no amino-acid change (proline 150 retained).
Molecular consequence: synonymous variant. On other transcripts: non-coding transcript variant (1).
Genome position (GRCh38, 1-based): chr2:215,052,544, G>A on the plus strand (C>T on the coding strand, the complement: ABCA12 is on the minus strand). VCF-style: chr2-215052544-G-A. GRCh37 (hg19) VCF-style: chr2-215917268-G-A.
Other names: c.450C>T (NM_173076.2).
Identifiers: ClinVar variation 2892652 (VCV002892652.5), dbSNP rs375241096, ClinGen allele CA2092540.

ClinVar aggregate classification (germline): Likely benign. Review status: criteria provided, single submitter (1 of 4 stars). 2 submissions from 2 submitters: Likely benign (1). 1 of the submissions does not count toward it. Last evaluated 2024-02-27.

Conditions:
ABCA12-related disorder. Also called: ABCA12-related condition.

Allele frequency attached by ClinVar (database versions not stated): ExAC 0.00001; gnomAD exomes 0.00004; TOPMed 0.00006; gnomAD 0.00007; ESP Exome Variant Server 0.00008.
gnomAD v4.1: 65 of 1,612,438 alleles (0.004%); highest among the groups gnomAD compares: Admixed American, 0.017%; no homozygotes.

Submissions (2):

Labcorp Genetics (formerly Invitae), Labcorp
Classification: Likely benign. Last evaluated: 2024-02-27. Review status: criteria provided, single submitter. Criteria: Invitae Variant Classification Sherloc (09022015). Collection method: clinical testing. Allele origin: germline.

PreventionGenetics, part of Exact Sciences
Classification: Likely benign for ABCA12-related condition. Last evaluated: 2022-07-26. Review status: no assertion criteria provided. Collection method: clinical testing. Allele origin: germline. Not counted in ClinVar's aggregate classification.
Comment: This variant is classified as likely benign based on ACMG/AMP sequence variant interpretation guidelines (Richards et al. 2015 PMID: 25741868, with internal and published modifications).